The following is an entry in ClinVar:

NM_014915.3(ANKRD26):c.902C>T (p.Thr301Ile)

Gene: ANKRD26 (ankyrin repeat domain 26; minus strand). Cytogenetic location: 10p12.1.
Variant type: single nucleotide variant.
Coding change: c.902C>T on transcript NM_014915.3 (MANE Select); coding-DNA position 902, C replaced by T.
Protein change: p.Thr301Ile; replaces threonine 301 with isoleucine.
Molecular consequence: missense variant.
Genome position (GRCh38, 1-based): chr10:27,077,513, G>A on the plus strand (C>T on the coding strand, the complement: ANKRD26 is on the minus strand). VCF-style: chr10-27077513-G-A. GRCh37 (hg19) VCF-style: chr10-27366442-G-A.
Other names: c.902C>T, p.Thr301Ile (NM_001256053.2); short protein forms T301I.
Identifiers: ClinVar variation 2805005 (VCV002805005.4), dbSNP rs1450953755, ClinGen allele CA376362023.
Genomic context (GRCh38, chr10:27,077,513, plus strand): 5'-TCAACCACAACTTCATCTTGACTATCGGAATCTCTATCCTCAAACAAAGTTCTATTTCCT[G>A]TTCTCACAGTGCCATATGTTGCTTCTACTACAGTAAAAACAAAATAAAGAGTAAATGAAA-3'
Protein context (NP_055730.2, residues 291-311): NLEATYGTVR[Thr301Ile]GNRTLFEDRD

ClinVar aggregate classification (germline): Uncertain significance. Review status: criteria provided, multiple submitters, no conflicts (2 of 4 stars). 2 submissions from 2 submitters: Uncertain significance (2). Last evaluated 2026-01-06.

Conditions:
Inborn genetic diseases. Identifiers: MedGen C0950123, MeSH D030342.

Allele frequency attached by ClinVar (database versions not stated): gnomAD exomes below 0.00001.
gnomAD v4.1: 1 of 1,613,858 alleles (0.000062%); highest among the groups gnomAD compares: East Asian, 0.0022%; no homozygotes.

Submissions (2):

Ambry Genetics
Classification: Uncertain significance for Inborn genetic diseases. Last evaluated: 2026-01-06. Review status: criteria provided, single submitter. Criteria: Ambry Variant Classification Scheme 2023. Collection method: clinical testing. Allele origin: germline.
Comment: The p.T301I variant (also known as c.902C>T), located in coding exon 9 of the ANKRD26 gene, results from a C to T substitution at nucleotide position 902. The threonine at codon 301 is replaced by isoleucine, an amino acid with similar properties. This amino acid position is conserved. In addition, this alteration is predicted to be tolerated by in silico analysis. Based on the available evidence, the clinical significance of this variant remains unclear.

Labcorp Genetics (formerly Invitae), Labcorp
Classification: Uncertain significance. Last evaluated: 2025-03-31. Review status: criteria provided, single submitter. Criteria: Invitae Variant Classification Sherloc (09022015). Collection method: clinical testing. Allele origin: germline.
Comment: This sequence change replaces threonine, which is neutral and polar, with isoleucine, which is neutral and non-polar, at codon 301 of the ANKRD26 protein (p.Thr301Ile). This variant is present in population databases (no rsID available, gnomAD 0.006%). This variant has not been reported in the literature in individuals affected with ANKRD26-related conditions. ClinVar contains an entry for this variant (Variation ID: 2805005). An algorithm developed to predict the effect of missense changes on protein structure and function (PolyPhen-2) suggests that this variant is likely to be tolerated. In summary, the available evidence is currently insufficient to determine the role of this variant in disease. Therefore, it has been classified as a Variant of Uncertain Significance.